The following is an entry in ClinVar:

NM_003873.7(NRP1):c.2571C>G (p.Ile857Met)

Gene: NRP1 (neuropilin 1; minus strand). Cytogenetic location: 10p11.22.
Variant type: single nucleotide variant.
Coding change: c.2571C>G on transcript NM_003873.7 (MANE Select); coding-DNA position 2571, C replaced by G.
Protein change: p.Ile857Met; replaces isoleucine 857 with methionine.
Molecular consequence: missense variant. On other transcripts: non-coding transcript variant (1).
Genome position (GRCh38, 1-based): chr10:33,180,277, G>C on the plus strand (C>G on the coding strand, the complement: NRP1 is on the minus strand). VCF-style: chr10-33180277-G-C. GRCh37 (hg19) VCF-style: chr10-33469205-G-C.
Other names: c.2553C>G, p.Ile851Met (NM_001244972.2); c.2550C>G, p.Ile850Met (NM_001244973.2); c.2520C>G, p.Ile840Met (NM_001330068.2); short protein forms I840M, I850M, I851M, I857M.
Identifiers: ClinVar variation 2634431 (VCV002634431.4), dbSNP rs144845322, ClinGen allele CA5466131.

ClinVar aggregate classification (germline): Uncertain significance (1 of 4 stars; one submission).

Conditions:
NRP1-related disorder. Also called: NRP1-related condition.

Allele frequency attached by ClinVar (database versions not stated): gnomAD 0.00014; TOPMed 0.00015; ExAC 0.00016; ESP Exome Variant Server 0.00031; gnomAD exomes 0.00038.
gnomAD v4.1: 566 of 1,613,986 alleles (0.035%); highest among the groups gnomAD compares: Non-Finnish European, 0.046%; no homozygotes.

Submission:

PreventionGenetics, part of Exact Sciences
Classification: Uncertain significance for NRP1-related condition. Last evaluated: 2026-06-28. Review status: criteria provided, single submitter. Criteria: ACMG Guidelines, 2015. Collection method: clinical testing. Allele origin: germline.
Comment: The NRP1 c.2571C>G variant is predicted to result in the amino acid substitution p.Ile857Met. This variant has been reported in the heterozygous state in an individual with Kallmann syndrome; however, the variant was also detected in the unaffected mother (Marcos et al. 2017. PubMed ID: 28334861). This variant is reported in 0.034% of alleles in individuals of European (Non-Finnish) descent in gnomAD. At this time, the clinical significance of this variant is uncertain due to the absence of conclusive functional and genetic evidence.